The following is an entry in ClinVar:

ClinVar aggregate classification (germline): Conflicting classifications of pathogenicity. Review status: criteria provided, conflicting classifications (1 of 4 stars). 2 submissions from 2 submitters: Likely pathogenic (1); Uncertain significance (1). Last evaluated 2025-08-07.

Conditions:
Metachromatic leukodystrophy (MLD). Also called: ARSA DEFICIENCY; Cerebral sclerosis diffuse metachromatic form; Arylsulfatase A Deficiency; METACHROMATIC LEUKOENCEPHALOPATHY; CEREBROSIDE SULFATASE DEFICIENCY; SULFATIDE LIPIDOSIS. Identifiers: Orphanet 512, MedGen C0023522, MONDO:0018868, OMIM 250100.

Allele frequency attached by ClinVar (database versions not stated): gnomAD exomes below 0.00001 and 0.00001.

Submissions (2):

Myriad Genetics, Inc.
Classification: Uncertain significance for Metachromatic leukodystrophy. Last evaluated: 2025-08-07. Review status: criteria provided, single submitter. Criteria: Myriad Autosomal Dominant, Autosomal Recessive and X-Linked Classification Criteria (2023). Collection method: clinical testing. Allele origin: unknown.
Comment: NM_000487.5(ARSA):c.160C>G(L54V) is a missense variant classified as a variant of uncertain significance in the context of metachromatic leukodystrophy. L54V has not been observed in cases with relevant disease. Relevant functional assessments of this variant are available in the literature (PMID: 37480112). L54V has been observed in referenced population frequency databases. In summary, there is insufficient evidence to classify NM_000487.5(ARSA):c.160C>G(L54V) as pathogenic or benign. Please note: this variant was assessed in the context of healthy population screening.

Labcorp Genetics (formerly Invitae), Labcorp
Classification: Likely pathogenic for Metachromatic leukodystrophy. Last evaluated: 2024-10-17. Review status: criteria provided, single submitter. Criteria: Invitae Variant Classification Sherloc (09022015). Collection method: clinical testing. Allele origin: germline.
Comment: This sequence change replaces leucine, which is neutral and non-polar, with valine, which is neutral and non-polar, at codon 54 of the ARSA protein (p.Leu54Val). This variant is present in population databases (no rsID available, gnomAD 0.004%). This variant has not been reported in the literature in individuals affected with ARSA-related conditions. ClinVar contains an entry for this variant (Variation ID: 1066235). Invitae Evidence Modeling of protein sequence and biophysical properties (such as structural, functional, and spatial information, amino acid conservation, physicochemical variation, residue mobility, and thermodynamic stability) has been performed for this missense variant. However, the output from this modeling did not meet the statistical confidence thresholds required to predict the impact of this variant on ARSA protein function. This variant disrupts the p.Leu54 amino acid residue in ARSA. Other variant(s) that disrupt this residue have been determined to be pathogenic (PMID: 16678723, 19606494). This suggests that this residue is clinically significant, and that variants that disrupt this residue are likely to be disease-causing. In summary, the currently available evidence indicates that the variant is pathogenic, but additional data are needed to prove that conclusively. Therefore, this variant has been classified as Likely Pathogenic.

Literature cited by the submitters: PubMed 37480112 (cited by Myriad Genetics, Inc.); PubMed 16678723 (cited by Labcorp Genetics (formerly Invitae), Labcorp); PubMed 19606494 (cited by Labcorp Genetics (formerly Invitae), Labcorp).

NM_000487.6(ARSA):c.160C>G (p.Leu54Val)

Gene: ARSA (arylsulfatase A; minus strand). Cytogenetic location: 22q13.33.
Variant type: single nucleotide variant.
Coding change: c.160C>G on transcript NM_000487.6 (MANE Select); coding-DNA position 160, C replaced by G.
Protein change: p.Leu54Val; replaces leucine 54 with valine.
Molecular consequence: missense variant. On other transcripts: intron variant (2).
Genome position (GRCh38, 1-based): chr22:50,627,620, G>C on the plus strand (C>G on the coding strand, the complement: ARSA is on the minus strand). VCF-style: chr22-50627620-G-C. GRCh37 (hg19) VCF-style: chr22-51066048-G-C.
Other names: c.160C>G, p.Leu54Val (NM_001085425.3, NM_001085426.3, NM_001085427.3); c.-34-214C>G (NM_001362782.2, NM_001085428.3); short protein forms L54V.
Identifiers: ClinVar variation 1066235 (VCV001066235.10), dbSNP rs1410632651, ClinGen allele CA412182520.